The following is an entry in ClinVar:

NM_001367624.2(ZNF469):c.2873T>C (p.Leu958Pro)

Gene: ZNF469 (zinc finger protein 469; plus strand). Cytogenetic location: 16q24.2.
Variant type: single nucleotide variant.
Coding change: c.2873T>C on transcript NM_001367624.2 (MANE Select); coding-DNA position 2873, T replaced by C.
Protein change: p.Leu958Pro; replaces leucine 958 with proline.
Molecular consequence: missense variant.
Genome position (GRCh38, 1-based): chr16:88,430,343, T>C. VCF-style: chr16-88430343-T-C. GRCh37 (hg19) VCF-style: chr16-88496751-T-C.
Other names: p.Leu958Pro; NM_001127464.2:c.2873T>C; short protein forms L958P.
Identifiers: ClinVar variation 320893 (VCV000320893.16), dbSNP rs370402083, ClinGen allele CA10638589.

ClinVar aggregate classification (germline): Conflicting classifications of pathogenicity. Review status: criteria provided, conflicting classifications (1 of 4 stars). 6 submissions from 6 submitters: Uncertain significance (1); Benign (1); Likely benign (4). Last evaluated 2026-04-22.

Conditions:
ZNF469-related disorder. Also called: ZNF469-related condition.
Cardiovascular phenotype. Identifiers: MedGen CN230736.

Allele frequency attached by ClinVar (database versions not stated): gnomAD exomes 0.00004 and 0.00025; gnomAD 0.00007; TOPMed 0.00012; 1000 Genomes Project 30x 0.00016.
gnomAD v4.1: 97 of 1,513,670 alleles (0.0064%); highest among the groups gnomAD compares: East Asian, 0.14%; no homozygotes.

Submissions (6):

GeneDx
Classification: Uncertain significance. Last evaluated: 2026-04-22. Review status: criteria provided, single submitter. Criteria: GeneDx Variant Classification Process June 2021. Collection method: clinical testing. Allele origin: germline.
Comment: Has not been previously published as pathogenic or benign to our knowledge; In silico analysis suggests that this missense variant does not alter protein structure/function

Labcorp Genetics (formerly Invitae), Labcorp
Classification: Likely benign. Last evaluated: 2026-01-25. Review status: criteria provided, single submitter. Criteria: Invitae Variant Classification Sherloc (09022015). Collection method: clinical testing. Allele origin: germline.

PreventionGenetics, part of Exact Sciences
Classification: Likely benign for ZNF469-related condition. Last evaluated: 2025-06-24. Review status: criteria provided, single submitter. Criteria: ACMG Guidelines, 2015. Collection method: clinical testing. Allele origin: germline.
Comment: This variant is classified as likely benign based on ACMG/AMP sequence variant interpretation guidelines (Richards et al. 2015 PMID: 25741868, with internal and published modifications).

Mayo Clinic Laboratories, Mayo Clinic
Classification: Benign. Last evaluated: 2025-04-22. Review status: criteria provided, single submitter. Criteria: ACMG Guidelines, 2015. Collection method: clinical testing. Allele origin: germline. Observed: 1 variant allele.
Comment: BS1, BP4_strong

Women's Health and Genetics/Laboratory Corporation of America, LabCorp
Classification: Likely benign. Last evaluated: 2025-03-18. Review status: criteria provided, single submitter. Criteria: LabCorp Variant Classification Summary - May 2015. Collection method: clinical testing. Allele origin: germline.
Comment: Variant summary: ZNF469 c.2873T>C (p.Leu958Pro) results in a non-conservative amino acid change in the encoded protein sequence. Three of four in-silico tools predict a benign effect of the variant on protein function. The variant allele was found at a frequency of 0.00025 in 112590 control chromosomes, predominantly at a frequency of 0.0025 within the East Asian subpopulation in the gnomAD database. The observed variant frequency within East Asian control individuals in the gnomAD database exceeds the estimated maximal expected allele frequency for a pathogenic variant in ZNF469 causing Brittle cornea syndrome 1 phenotype. To our knowledge, no occurrence of c.2873T>C in individuals affected with Brittle cornea syndrome 1 and no experimental evidence demonstrating its impact on protein function have been reported. ClinVar contains an entry for this variant (Variation ID: 320893). Based on the evidence outlined above, the variant was classified as likely benign.

Ambry Genetics
Classification: Likely benign for Cardiovascular phenotype. Last evaluated: 2023-07-30. Review status: criteria provided, single submitter. Criteria: Ambry Variant Classification Scheme 2023. Collection method: clinical testing. Allele origin: germline.